The following is an entry in ClinVar:

NM_003235.5(TG):c.7067T>G (p.Leu2356Arg)

Gene: TG (thyroglobulin; plus strand). Cytogenetic location: 8q24.22.
Variant type: single nucleotide variant.
Coding change: c.7067T>G on transcript NM_003235.5 (MANE Select); coding-DNA position 7067, T replaced by G.
Protein change: p.Leu2356Arg; replaces leucine 2356 with arginine.
Molecular consequence: missense variant.
Genome position (GRCh38, 1-based): chr8:133,029,851, T>G. VCF-style: chr8-133029851-T-G. GRCh37 (hg19) VCF-style: chr8-134042096-T-G.
Other names: short protein forms L2356R.
Identifiers: ClinVar variation 4989538 (VCV004989538.1).

ClinVar aggregate classification (germline): Uncertain significance (1 of 4 stars; one submission).

Conditions:
TG-related disorder. Also called: TG-related condition; TG-related disorders.

gnomAD v4.1: 5 of 1,614,088 alleles (0.00031%); highest among the groups gnomAD compares: Non-Finnish European, 0.00042%; no homozygotes.

Submission:

PreventionGenetics, part of Exact Sciences
Classification: Uncertain significance for TG-related condition. Last evaluated: 2026-04-04. Review status: criteria provided, single submitter. Criteria: ACMG Guidelines, 2015. Collection method: clinical testing. Allele origin: germline.
Comment: The TG c.7067T>G variant is predicted to result in the amino acid substitution p.Leu2356Arg. To our knowledge, this variant has not been reported in the literature. This variant is reported in 0.00089% of alleles in individuals of European (Non-Finnish) descent in gnomAD. At this time, the clinical significance of this variant is uncertain due to the absence of conclusive functional and genetic evidence.